The following is an entry in ClinVar:

NM_003640.5(ELP1):c.3145G>C (p.Gly1049Arg)

Gene: ELP1 (elongator acetyltransferase complex subunit 1; minus strand). Cytogenetic location: 9q31.3.
Variant type: single nucleotide variant.
Coding change: c.3145G>C on transcript NM_003640.5 (MANE Select); coding-DNA position 3145, G replaced by C.
Protein change: p.Gly1049Arg; replaces glycine 1049 with arginine.
Molecular consequence: missense variant.
Genome position (GRCh38, 1-based): chr9:108,891,218, C>G on the plus strand (G>C on the coding strand, the complement: ELP1 is on the minus strand). VCF-style: chr9-108891218-C-G. GRCh37 (hg19) VCF-style: chr9-111653498-C-G.
Other names: c.2803G>C, p.Gly935Arg (NM_001318360.2); c.2098G>C, p.Gly700Arg (NM_001330749.2); short protein forms G1049R, G935R, G700R.
Identifiers: ClinVar variation 1416090 (VCV001416090.3), dbSNP rs761500263, ClinGen allele CA374416095.

ClinVar aggregate classification (germline): Uncertain significance (1 of 4 stars; one submission).

gnomAD v4.1: 7 of 1,614,178 alleles (0.00043%); highest among the groups gnomAD compares: Non-Finnish European, 0.00051%; no homozygotes.

Submission:

Labcorp Genetics (formerly Invitae), Labcorp
Classification: Uncertain significance. Last evaluated: 2021-10-27. Review status: criteria provided, single submitter. Criteria: Invitae Variant Classification Sherloc (09022015). Collection method: clinical testing. Allele origin: germline.
Comment: This sequence change replaces glycine, a(n) neutral and non-polar amino acid, with arginine, a(n) basic and polar amino acid, at codon 1049 of the ELP1 protein (p.Gly1049Arg). This variant is not present in population databases (gnomAD no frequency). This variant has not been reported in the literature in individuals affected with ELP1-related conditions. Algorithms developed to predict the effect of missense changes on protein structure and function (SIFT, PolyPhen-2, Align-GVGD) all suggest that this variant is likely to be disruptive. In summary, the available evidence is currently insufficient to determine the role of this variant in disease. Therefore, it has been classified as a Variant of Uncertain Significance.